The following is an entry in ClinVar:

NM_001375524.1(TRRAP):c.11395dup (p.Thr3799fs)

Gene: TRRAP (transformation/transcription domain associated protein; plus strand). Cytogenetic location: 7q22.1.
Variant type: Duplication.
Coding change: c.11395dup on transcript NM_001375524.1 (MANE Select); coding-DNA position 11395, one base duplicated (A; older notation c.11395dupA).
Protein change: p.Thr3799fs; shifts the reading frame from threonine 3799.
Molecular consequence: frameshift variant.
Genome position (GRCh38, 1-based): chr7:99,012,128, A duplicated; the last of 7 consecutive A bases (chr7:99,012,122-99,012,128); duplicating any one gives the same sequence. VCF-style (leftmost placement, unchanged base first): chr7-99012121-C-CA. GRCh37 (hg19) VCF-style: chr7-98609744-C-CA.
Other names: c.11353dup, p.Thr3785fs (NM_001244580.2); c.11266dup, p.Thr3756fs (NM_003496.4); short protein forms T3785fs, T3756fs, T3799fs.
Identifiers: ClinVar variation 2109878 (VCV002109878.4), dbSNP rs2485085408, ClinGen allele CA645548920.
Genomic context (GRCh38, chr7:99,012,121, plus strand): 5'-CCTCACGCAGGTGGATGGCATTCTGAAAACGGTTCTCCGGGACGAGATCATTGCTTGGCA[C>CA]AAAAAAACACAAGAGGACACGTCCTCTCCTCTCTCGGCCGCCGGGCAGCCAGAGAACATG-3'

ClinVar aggregate classification (germline): Uncertain significance (1 of 4 stars; one submission).

Submission:

Labcorp Genetics (formerly Invitae), Labcorp
Classification: Uncertain significance. Last evaluated: 2022-03-12. Review status: criteria provided, single submitter. Criteria: Invitae Variant Classification Sherloc (09022015). Collection method: clinical testing. Allele origin: germline.
Comment: In summary, the available evidence is currently insufficient to determine the role of this variant in disease. Therefore, it has been classified as a Variant of Uncertain Significance. Experimental studies and prediction algorithms are not available or were not evaluated, and the functional significance of this variant is currently unknown. This sequence change results in a frameshift in the TRRAP gene (p.Thr3756Asnfs*137). While this is not anticipated to result in nonsense mediated decay, it is expected to disrupt the last 75 amino acid(s) of the TRRAP protein and extend the protein by 61 additional amino acid residues. This variant is not present in population databases (gnomAD no frequency). This variant has not been reported in the literature in individuals affected with TRRAP-related conditions.